The following is an entry in ClinVar:

ClinVar aggregate classification (germline): Benign (1 of 4 stars; one submission).

Allele frequency attached by ClinVar (database versions not stated): ExAC 0.08076.

Submission:

Laboratory for Molecular Medicine, Mass General Brigham Personalized Medicine
Classification: Benign. Last evaluated: 2016-03-29. Review status: criteria provided, single submitter. Criteria: LMM Criteria. Collection method: clinical testing. Allele origin: germline.
Comment: Variant identified in a genome or exome case(s) and assessed due to predicted null impact of the variant or pathogenic assertions in the literature or databases. Disclaimer: This variant has not undergone full assessment. The following are preliminary notes: ExAC frequency

NM_018406.7(MUC4):c.9784_9785insGG (p.Thr3262fs)

Gene: MUC4 (mucin 4, cell surface associated). Cytogenetic location: 3q29.
Variant type: Insertion.
Coding change: c.9784_9785insGG on transcript NM_018406.7 (MANE Select); coding-DNA positions 9784 to 9785, GG inserted.
Protein change: p.Thr3262fs; shifts the reading frame from threonine 3262.
Molecular consequence: frameshift variant. On other transcripts: genic upstream transcript variant (2).
Genome position: GRCh38 VCF-style: chr3-195781795-G-GCC. GRCh37 (hg19) VCF-style: chr3-195508666-G-GCC.
Other names: c.14458_14459insGG, p.Ala4820fs (NM_001322468.1); c.83-7491_83-7490insGG (NM_138297.5); c.83-3341_83-3340insGG (NM_004532.6); short protein forms A4820fs, T3262fs.
Identifiers: ClinVar variation 403119 (VCV000403119.4), dbSNP rs753854746, ClinGen allele CA2770750.